The following is an entry in ClinVar:

NM_001130144.3(LTBP3):c.974_975del (p.Thr325fs)

Gene: LTBP3 (latent transforming growth factor beta binding protein 3; minus strand). Cytogenetic location: 11q13.1.
Variant type: Microsatellite.
Coding change: c.974_975del on transcript NM_001130144.3 (MANE Select); coding-DNA positions 974 to 975, 2 bases deleted (CA; older notation c.974_975delCA).
Protein change: p.Thr325fs; shifts the reading frame from threonine 325.
Molecular consequence: frameshift variant.
Genome position (GRCh38, 1-based): chr11:65,553,252-65,553,253, TG deleted on the plus strand (CA on the coding strand, the reverse complement: LTBP3 is on the minus strand); deleting any 2 consecutive bases within chr11:65,553,252-65,553,256 gives the same sequence; the c. name uses the placement nearest the transcript's 3' end. VCF-style (leftmost placement, unchanged base first): chr11-65553251-CTG-C. GRCh37 (hg19) VCF-style: chr11-65320722-CTG-C.
Other names: c.623_624del, p.Thr208fs (NM_001164266.1); c.974_975del, p.Thr325fs (NM_021070.4); short protein forms T325fs, T208fs.
Identifiers: ClinVar variation 4717686 (VCV004717686.1).

ClinVar aggregate classification (germline): Pathogenic (1 of 4 stars; one submission).

Conditions:
Brachyolmia-amelogenesis imperfecta syndrome. Also called: PLATYSPONDYLY WITH AMELOGENESIS IMPERFECTA; Tooth agenesis, selective, 6; Dental anomalies and short stature. Identifiers: Orphanet 2899, MedGen C1832594, MONDO:0011018, OMIM 601216. Disease mechanism: loss of function.

Submission:

Labcorp Genetics (formerly Invitae), Labcorp
Classification: Pathogenic for Brachyolmia-amelogenesis imperfecta syndrome. Last evaluated: 2025-05-22. Review status: criteria provided, single submitter. Criteria: Invitae Variant Classification Sherloc (09022015). Collection method: clinical testing. Allele origin: germline.
Comment: This sequence change creates a premature translational stop signal (p.Thr325Argfs*15) in the LTBP3 gene. It is expected to result in an absent or disrupted protein product. Loss-of-function variants in LTBP3 are known to be pathogenic (PMID: 11790802, 19344874, 25669657). This variant is not present in population databases (gnomAD no frequency). This variant has not been reported in the literature in individuals affected with LTBP3-related conditions. For these reasons, this variant has been classified as Pathogenic.

Literature cited by the submitters: PubMed 11790802; PubMed 19344874; PubMed 25669657.